The following is an entry in ClinVar:

ClinVar aggregate classification (germline): Pathogenic (1 of 4 stars; one submission).

Conditions:
CREBBP-related disorder. Also called: CREBBP-related condition; CREBBP-related disorders.

Submission:

Rady Children's Institute for Genomic Medicine, Rady Children's Hospital San Diego
Classification: Pathogenic for CREBBP-Related Disorders. Review status: criteria provided, single submitter. Criteria: ACMG Guidelines, 2015. Collection method: clinical testing. Allele origin: germline. Affected: yes.
Comment: This frameshifting variant in exon 30 of 31 introduces a premature stop codon and is therefore predicted to result in loss of normal protein function through either protein truncation or nonsense-mediated mRNA decay (NMD). This variant has not been previously reported or functionally characterized in the literature to our knowledge. A loss-of-function variant at the same amino acid residue (p.Ile1649Serfs*95) has been previously reported in an individual with Rubinstein-Taybi syndrome (PMID: 12070251). Additionally, loss-of-function variation in CREBBP is an established mechanism of disease (PMID: 20301699). The c.4944del (p.Ile1649SerfsTer95) variant is absent from the gnomAD population database and thus is presumed to be rare. Analysis of the parental samples was negative for the variant, indicating this variant likely occurred as a de novo event. Based on the available evidence, the c.4944del (p.Ile1649SerfsTer95) variant is classified as Pathogenic.

NM_004380.3(CREBBP):c.4944del (p.Ile1649fs)

Gene: CREBBP (CREB binding lysine acetyltransferase; minus strand). Cytogenetic location: 16p13.3.
Variant type: Deletion.
Coding change: c.4944del on transcript NM_004380.3 (MANE Select); coding-DNA position 4944, one base deleted (C; older notation c.4944delC).
Protein change: p.Ile1649fs; shifts the reading frame from isoleucine 1649.
Molecular consequence: frameshift variant.
Genome position (GRCh38, 1-based): chr16:3,731,420, G deleted on the plus strand (C on the coding strand, the reverse complement: CREBBP is on the minus strand); the first of 6 consecutive G bases (chr16:3,731,420-3,731,425); deleting any one gives the same sequence. VCF-style (leftmost placement, unchanged base first): chr16-3731419-TG-T. GRCh37 (hg19) VCF-style: chr16-3781420-TG-T.
Other names: c.4830del, p.Ile1611fs (NM_001079846.1); short protein forms I1611fs, I1649fs.
Identifiers: ClinVar variation 2584493 (VCV002584493.1), dbSNP rs2151317319, ClinGen allele CA645575166.
Genomic context (GRCh38, chr16:3,731,419, plus strand): 5'-TGAGGAAGGCGTCGCGCCCATCCATGAGGTCACAGCTGAGCAGGGGGTCGGGGTCGACGA[TG>T]GGGGGCAGGGTGTTGATGACAGGCCCAGCGTGCAGGTGGATCACGAAGAAGACCTGCAGG-3'